The following is an entry in ClinVar:

NM_000111.3(SLC26A3):c.1120G>C (p.Glu374Gln)

Gene: SLC26A3 (solute carrier family 26 member 3; minus strand). Cytogenetic location: 7q22.3.
Variant type: single nucleotide variant.
Coding change: c.1120G>C on transcript NM_000111.3 (MANE Select); coding-DNA position 1120, G replaced by C.
Protein change: p.Glu374Gln; replaces glutamic acid 374 with glutamine.
Molecular consequence: missense variant.
Genome position (GRCh38, 1-based): chr7:107,783,093, C>G on the plus strand (G>C on the coding strand, the complement: SLC26A3 is on the minus strand). VCF-style: chr7-107783093-C-G. GRCh37 (hg19) VCF-style: chr7-107423538-C-G.
Other names: short protein forms E374Q.
Identifiers: ClinVar variation 2431459 (VCV002431459.1), dbSNP rs2535463160, ClinGen allele CA368851954.

ClinVar aggregate classification (germline): Uncertain significance (1 of 4 stars; one submission).

Conditions:
Congenital secretory diarrhea, chloride type (DIAR1). Also called: DIARRHEA 1, SECRETORY CHLORIDE, CONGENITAL; CHLORIDORRHEA, CONGENITAL; CHLORIDE DIARRHEA, CONGENITAL, FINNISH TYPE. Identifiers: Orphanet 53689, MedGen C0267662, MONDO:0008964, OMIM 214700.

Submission:

Laboratorio de Genetica e Diagnostico Molecular, Hospital Israelita Albert Einstein
Classification: Uncertain significance for Congenital secretory diarrhea, chloride type. Last evaluated: 2022-11-30. Review status: criteria provided, single submitter. Criteria: ACMG Guidelines, 2015. Collection method: clinical testing. Allele origin: germline. Affected: yes. Observed: 1 variant allele.
Comment: ACMG classification criteria: PM2 moderated, PP3 supporting, PP4